The following is an entry in ClinVar:

ClinVar aggregate classification (germline): Uncertain significance (1 of 4 stars; one submission).

Submission:

GeneDx
Classification: Uncertain significance. Last evaluated: 2024-02-16. Review status: criteria provided, single submitter. Criteria: GeneDx Variant Classification Process June 2021. Collection method: clinical testing. Allele origin: germline. Affected: yes.
Comment: Not observed at significant frequency in large population cohorts (gnomAD); In silico analysis supports that this missense variant does not alter protein structure/function; Has not been previously published as pathogenic or benign to our knowledge

NM_000132.4(F8):c.643A>T (p.Ile215Leu)

Gene: F8 (coagulation factor VIII; minus strand). Cytogenetic location: Xq28.
Variant type: single nucleotide variant.
Coding change: c.643A>T on transcript NM_000132.4 (MANE Select); coding-DNA position 643, A replaced by T.
Protein change: p.Ile215Leu; replaces isoleucine 215 with leucine.
Molecular consequence: missense variant.
Genome position (GRCh38, 1-based): chrX:154,987,264, T>A on the plus strand (A>T on the coding strand, the complement: F8 is on the minus strand). VCF-style: chrX-154987264-T-A. GRCh37 (hg19) VCF-style: chrX-154215539-T-A.
Other names: short protein forms I215L.
Identifiers: ClinVar variation 3369429 (VCV003369429.1).